The following is an entry in ClinVar:

ClinVar aggregate classification (germline): Likely pathogenic (1 of 4 stars; one submission).

Conditions:
COL10A1-related disorder. Also called: COL10A1-related condition.

Submission:

PreventionGenetics, part of Exact Sciences
Classification: Likely pathogenic for COL10A1-related condition. Last evaluated: 2026-05-07. Review status: criteria provided, single submitter. Criteria: ACMG Guidelines, 2015. Collection method: clinical testing. Allele origin: germline.
Comment: The COL10A1 c.1840delC variant is predicted to result in a frameshift and premature protein termination (p.Leu614Cysfs*8). To our knowledge, this variant has not been reported in the literature or in a large population database (gnomAD), indicating this variant is rare. Frameshift variants in COL10A1 are expected to be pathogenic. This variant is interpreted as likely pathogenic.

NM_000493.4(COL10A1):c.1840del (p.Leu614fs)

Genes: COL10A1 (collagen type X alpha 1 chain; minus strand), NT5DC1 (5'-nucleotidase domain containing 1; plus strand). Cytogenetic location: 6q22.1.
Variant type: Deletion.
Coding change: c.1840del on transcript NM_000493.4 (MANE Select); coding-DNA position 1840, one base deleted (C; older notation c.1840delC).
Protein change: p.Leu614fs; shifts the reading frame from leucine 614.
Molecular consequence: frameshift variant. On other transcripts: intron variant (1).
Genome position (GRCh38, 1-based): chr6:116,120,276, G deleted on the plus strand (C on the coding strand, the reverse complement: COL10A1 is on the minus strand); the first of 2 consecutive G bases (chr6:116,120,276-116,120,277); deleting either gives the same sequence. VCF-style (leftmost placement, unchanged base first): chr6-116120275-AG-A. GRCh37 (hg19) VCF-style: chr6-116441438-AG-A.
Other names: c.1840del, p.Leu614fs (NM_001424106.1, NM_001424107.1); c.529+2332del (NM_152729.3); short protein forms L614fs.
Identifiers: ClinVar variation 4991530 (VCV004991530.1).
Genomic context (GRCh38, chr6:116,120,275, plus strand): 5'-TCCAGGTAGCCTTTGGTGTATTCATCATAGGTGTACATTACAGGGGTGCCATTCTTATAC[AG>A]GCCTACCCAAACATGAGTCCCTTTCACATGCACGTGGTATGAAAAATAGTATATTCCTGG-3'